The following is an entry in ClinVar:

ClinVar aggregate classification (germline): Uncertain significance (1 of 4 stars; one submission).

Allele frequency attached by ClinVar (database versions not stated): gnomAD exomes 0.00001; TOPMed 0.00001.
gnomAD v4.1: 6 of 1,614,104 alleles (0.00037%); highest among the groups gnomAD compares: Admixed American, 0.01%; no homozygotes.

Submission:

Labcorp Genetics (formerly Invitae), Labcorp
Classification: Uncertain significance. Last evaluated: 2025-10-13. Review status: criteria provided, single submitter. Criteria: Invitae Variant Classification Sherloc (09022015). Collection method: clinical testing. Allele origin: germline.
Comment: This sequence change replaces isoleucine, which is neutral and non-polar, with threonine, which is neutral and polar, at codon 2256 of the BPTF protein (p.Ile2256Thr). This variant is present in population databases (no rsID available, gnomAD 0.01%). This variant has not been reported in the literature in individuals affected with BPTF-related conditions. ClinVar contains an entry for this variant (Variation ID: 2877532). An algorithm developed to predict the effect of missense changes on protein structure and function (PolyPhen-2) suggests that this variant is likely to be tolerated. In summary, the available evidence is currently insufficient to determine the role of this variant in disease. Therefore, it has been classified as a Variant of Uncertain Significance.

NM_182641.4(BPTF):c.6389T>C (p.Ile2130Thr)

Gene: BPTF (bromodomain PHD finger transcription factor; plus strand). Cytogenetic location: 17q24.2.
Variant type: single nucleotide variant.
Coding change: c.6389T>C on transcript NM_182641.4 (MANE Select); coding-DNA position 6389, T replaced by C.
Protein change: p.Ile2130Thr; replaces isoleucine 2130 with threonine.
Molecular consequence: missense variant.
Genome position (GRCh38, 1-based): chr17:67,940,568, T>C. VCF-style: chr17-67940568-T-C. GRCh37 (hg19) VCF-style: chr17-65936684-T-C.
Other names: c.6767T>C, p.Ile2256Thr (NM_004459.7); short protein forms I2130T, I2256T.
Identifiers: ClinVar variation 2877532 (VCV002877532.2), dbSNP rs974640576, ClinGen allele CA293258893.